The following is an entry in ClinVar:

NM_001631.5(ALPI):c.987G>A (p.Val329=)

Gene: ALPI (alkaline phosphatase, intestinal; plus strand). Cytogenetic location: 2q37.1.
Variant type: single nucleotide variant.
Coding change: c.987G>A on transcript NM_001631.5 (MANE Select); coding-DNA position 987, G replaced by A.
Protein change: p.Val329=; no amino-acid change (valine 329 retained).
Molecular consequence: synonymous variant.
Genome position (GRCh38, 1-based): chr2:232,458,128, G>A. VCF-style: chr2-232458128-G-A. GRCh37 (hg19) VCF-style: chr2-233322838-G-A.
Identifiers: ClinVar variation 4980088 (VCV004980088.1).

ClinVar aggregate classification (germline): Likely benign (1 of 4 stars; one submission).

Conditions:
ALPI-related disorder. Also called: ALPI-related condition.

gnomAD v4.1: 27 of 1,613,952 alleles (0.0017%); highest among the groups gnomAD compares: Non-Finnish European, 0.0023%; no homozygotes.

Submission:

PreventionGenetics, part of Exact Sciences
Classification: Likely benign for ALPI-related condition. Last evaluated: 2025-03-19. Review status: criteria provided, single submitter. Criteria: ACMG Guidelines, 2015. Collection method: clinical testing. Allele origin: germline.
Comment: This variant is classified as likely benign based on ACMG/AMP sequence variant interpretation guidelines (Richards et al. 2015 PMID: 25741868, with internal and published modifications).